The following is an entry in ClinVar:

ClinVar aggregate classification (germline): Uncertain significance (1 of 4 stars; one submission).

Conditions:
DNMT3A-related disorder. Also called: DNMT3A-related disorders; DNMT3A-related condition.

gnomAD v4.1: 2 of 1,382,748 alleles (0.00014%); highest among the groups gnomAD compares: East Asian, 0.0055%; no homozygotes.

Submission:

PreventionGenetics, part of Exact Sciences
Classification: Uncertain significance for DNMT3A-related condition. Last evaluated: 2025-07-02. Review status: criteria provided, single submitter. Criteria: ACMG Guidelines, 2015. Collection method: clinical testing. Allele origin: germline.
Comment: The DNMT3A c.11G>A variant is predicted to result in the amino acid substitution p.Arg4Gln. This variant is referred to as c.640-3832G>A (intronic) with an alternate transcript NM_175629 listed in the Human Gene Mutation Database (HGMD). To our knowledge, this variant has not been reported in the literature or in a large population database, indicating this variant is rare. At this time, the clinical significance of this variant is uncertain due to the absence of conclusive functional and genetic evidence.

NM_022552.5(DNMT3A):c.640-3832G>A

Genes: DNMT3A (DNA methyltransferase 3 alpha; minus strand), LOC129933288 (ATAC-STARR-seq lymphoblastoid silent region 11249; plus strand). Cytogenetic location: 2p23.3.
Variant type: single nucleotide variant.
Coding change: c.640-3832G>A on transcript NM_022552.5 (MANE Select); 3832 bases into the intron before coding-DNA position 640, G replaced by A.
Molecular consequence: intron variant. On other transcripts: missense variant (1).
Genome position (GRCh38, 1-based): chr2:25,252,084, C>T on the plus strand (G>A on the coding strand, the complement: DNMT3A is on the minus strand). VCF-style: chr2-25252084-C-T. GRCh37 (hg19) VCF-style: chr2-25474953-C-T.
Other names: c.11G>A, p.Arg4Gln (NM_001320893.1); c.640-3832G>A (NM_175629.2); c.4+110G>A (NM_153759.3); c.-31+110G>A (NM_001375819.1); short protein forms R4Q.
Identifiers: ClinVar variation 3351011 (VCV003351011.2).